The following is an entry in ClinVar:

NM_001195263.2(PDZD7):c.652G>T (p.Asp218Tyr)

Gene: PDZD7 (PDZ domain containing 7; minus strand). Cytogenetic location: 10q24.31.
Variant type: single nucleotide variant.
Coding change: c.652G>T on transcript NM_001195263.2 (MANE Select); coding-DNA position 652, G replaced by T.
Protein change: p.Asp218Tyr; replaces aspartic acid 218 with tyrosine.
Molecular consequence: missense variant.
Genome position (GRCh38, 1-based): chr10:101,022,276, C>A on the plus strand (G>T on the coding strand, the complement: PDZD7 is on the minus strand). VCF-style: chr10-101022276-C-A. GRCh37 (hg19) VCF-style: chr10-102782033-C-A.
Other names: c.652G>T, p.Asp218Tyr (NM_001351044.2, NM_024895.5); short protein forms D218Y.
Identifiers: ClinVar variation 1368433 (VCV001368433.8), dbSNP rs142301501, ClinGen allele CA378230236.

ClinVar aggregate classification (germline): Uncertain significance (1 of 4 stars; one submission).

Submission:

Labcorp Genetics (formerly Invitae), Labcorp
Classification: Uncertain significance. Last evaluated: 2021-07-18. Review status: criteria provided, single submitter. Criteria: Invitae Variant Classification Sherloc (09022015). Collection method: clinical testing. Allele origin: germline.
Comment: In summary, the available evidence is currently insufficient to determine the role of this variant in disease. Therefore, it has been classified as a Variant of Uncertain Significance. Algorithms developed to predict the effect of missense changes on protein structure and function are either unavailable or do not agree on the potential impact of this missense change (SIFT: "Deleterious"; PolyPhen-2: "Not Available"; Align-GVGD: "Class C65"). This variant has not been reported in the literature in individuals affected with PDZD7-related conditions. This variant is not present in population databases (ExAC no frequency). This sequence change replaces aspartic acid with tyrosine at codon 218 of the PDZD7 protein (p.Asp218Tyr). The aspartic acid residue is highly conserved and there is a large physicochemical difference between aspartic acid and tyrosine.